The following is an entry in ClinVar:

NM_001131016.2(CIZ1):c.1444G>T (p.Val482Leu)

Gene: CIZ1 (CDKN1A interacting zinc finger protein 1; minus strand). Cytogenetic location: 9q34.11.
Variant type: single nucleotide variant.
Coding change: c.1444G>T on transcript NM_001131016.2 (MANE Select); coding-DNA position 1444, G replaced by T.
Protein change: p.Val482Leu; replaces valine 482 with leucine.
Molecular consequence: missense variant.
Genome position (GRCh38, 1-based): chr9:128,178,763, C>A on the plus strand (G>T on the coding strand, the complement: CIZ1 is on the minus strand). VCF-style: chr9-128178763-C-A. GRCh37 (hg19) VCF-style: chr9-130941042-C-A.
Other names: c.1276G>T, p.Val426Leu (NM_001131015.2); c.1261G>T, p.Val421Leu (NM_001131017.2); c.1204G>T, p.Val402Leu (NM_001131018.2); c.1534G>T, p.Val512Leu (NM_001257975.2); c.1141G>T, p.Val381Leu (NM_001257976.2); c.1444G>T, p.Val482Leu (NM_012127.3); short protein forms V402L, V426L, V482L, V381L, V421L, V512L.
Identifiers: ClinVar variation 2728437 (VCV002728437.3), dbSNP rs781414905, ClinGen allele CA5257305.

ClinVar aggregate classification (germline): Uncertain significance (1 of 4 stars; one submission).

Conditions:
Dystonic disorder. Also called: Dystonia. Identifiers: MedGen C0013421, MONDO:0003441, HP:0001332.

Allele frequency attached by ClinVar (database versions not stated): gnomAD exomes below 0.00001; TOPMed below 0.00001; ExAC 0.00001; gnomAD 0.00001.
gnomAD v4.1: 7 of 1,614,158 alleles (0.00043%); highest among the groups gnomAD compares: Non-Finnish European, 0.00051%; no homozygotes.

Submission:

Labcorp Genetics (formerly Invitae), Labcorp
Classification: Uncertain significance for Dystonic disorder. Last evaluated: 2023-10-20. Review status: criteria provided, single submitter. Criteria: Invitae Variant Classification Sherloc (09022015). Collection method: clinical testing. Allele origin: germline.
Comment: This sequence change replaces valine, which is neutral and non-polar, with leucine, which is neutral and non-polar, at codon 482 of the CIZ1 protein (p.Val482Leu). This variant is present in population databases (rs781414905, gnomAD 0.0009%). This variant has not been reported in the literature in individuals affected with CIZ1-related conditions. Algorithms developed to predict the effect of missense changes on protein structure and function output the following: SIFT: "Not Available"; PolyPhen-2: "Benign"; Align-GVGD: "Not Available". The leucine amino acid residue is found in multiple mammalian species, which suggests that this missense change does not adversely affect protein function. In summary, the available evidence is currently insufficient to determine the role of this variant in disease. Therefore, it has been classified as a Variant of Uncertain Significance.